The following is an entry in ClinVar:

ClinVar aggregate classification (germline): Benign/Likely benign. Review status: criteria provided, multiple submitters, no conflicts (2 of 4 stars). 13 submissions from 11 submitters: Benign (3); Likely benign (8). 2 of the submissions do not count toward it. Last evaluated 2026-02-03.

Conditions:
Hereditary cancer-predisposing syndrome. Also called: Tumor predisposition; Hereditary Cancer Syndrome; Neoplastic Syndromes, Hereditary; Hereditary neoplastic syndrome. Identifiers: Orphanet 140162, MedGen C0027672, MeSH D009386, MONDO:0015356.
Hyperparathyroidism 2 with jaw tumors. Also called: Hyperparathyroidism 2; HYPERPARATHYROIDISM, FAMILIAL PRIMARY, WITH MULTIPLE OSSIFYING JAW FIBROMAS; HYPERPARATHYROIDISM-JAW TUMOR SYNDROME, HEREDITARY; Hyperparathyroidism-Jaw Tumor Syndrome. Identifiers: Orphanet 99880, MedGen C1704981, MONDO:0007768, OMIM 145001.
Parathyroid carcinoma (PRTC). Also called: CDC73-Related Parathyroid Carcinoma; Parathyroid gland carcinoma. Identifiers: Orphanet 143, MedGen C0687150, MONDO:0012004, OMIM 608266, HP:0006780.
Hyperparathyroidism 1 (HRPT1). Also called: HYPERPARATHYROIDISM, FAMILIAL ISOLATED PRIMARY. Identifiers: Orphanet 99879, MedGen C1840402, MONDO:0007767, OMIM 145000.

Allele frequency attached by ClinVar (database versions not stated): 1000 Genomes Project 0.00020; 1000 Genomes Project 30x 0.00031; ExAC 0.00060; gnomAD exomes 0.00064 and 0.00171; ESP Exome Variant Server 0.00077; TOPMed 0.00079; gnomAD 0.00089 and 0.00094.
gnomAD v4.1: 2,574 of 1,614,178 alleles (0.16%); highest among the groups gnomAD compares: Non-Finnish European, 0.21%; 3 homozygotes.

Submissions (13):

Labcorp Genetics (formerly Invitae), Labcorp
Classification: Benign for Parathyroid carcinoma. Last evaluated: 2026-02-03. Review status: criteria provided, single submitter. Criteria: Invitae Variant Classification Sherloc (09022015). Collection method: clinical testing. Allele origin: germline.

CeGaT Center for Human Genetics Tuebingen
Classification: Likely benign. Last evaluated: 2026-02-01. Review status: criteria provided, single submitter. Criteria: CeGaT Center For Human Genetics Tuebingen Variant Classification Criteria Version 2. Collection method: clinical testing. Allele origin: germline. Affected: yes. Observed: 4 variant alleles.
Comment: CDC73: BP4

ARUP Laboratories, Molecular Genetics and Genomics, ARUP Laboratories
Classification: Benign. Last evaluated: 2025-04-17. Review status: criteria provided, single submitter. Criteria: ARUP Molecular Germline Variant Investigation Process 2024. Collection method: clinical testing. Allele origin: germline.

Blueprint Genetics
Classification: Likely benign. Last evaluated: 2024-11-05. Review status: criteria provided, single submitter. Criteria: ACMG Guidelines, 2015. Collection method: clinical testing. Allele origin: germline.

Department of Pathology and Laboratory Medicine, Sinai Health System
Classification: Likely benign for hyperparathyroidism 2 with jaw tumors. Last evaluated: 2021-12-03. Review status: criteria provided, single submitter. Criteria: ACMG Guidelines, 2015. Collection method: clinical testing. Allele origin: germline. Affected: yes.

GeneDx
Classification: Likely benign. Last evaluated: 2021-06-09. Review status: criteria provided, single submitter. Criteria: GeneDx Variant Classification Process June 2021. Collection method: clinical testing. Allele origin: germline. Affected: yes.
Comment: This variant is associated with the following publications: (PMID: 17130827, 20052758, 12960210, 17065424)

Sema4
Classification: Benign for Hereditary cancer-predisposing syndrome. Last evaluated: 2020-10-16. Review status: criteria provided, single submitter. Criteria: Sema4 Curation Guidelines. Collection method: curation. Allele origin: germline.

Ambry Genetics
Classification: Likely benign for Hereditary cancer-predisposing syndrome. Last evaluated: 2018-10-23. Review status: criteria provided, single submitter. Criteria: Ambry Variant Classification Scheme 2023. Collection method: clinical testing. Allele origin: germline.

Illumina Laboratory Services, Illumina
Classification: Likely benign for Hyperparathyroidism 2 with jaw tumors. Last evaluated: 2017-04-28. Review status: criteria provided, single submitter. Criteria: ICSL Variant Classification Criteria 13 December 2019. Collection method: clinical testing. Allele origin: germline.
Comment: This variant was observed as part of a predisposition screen in an ostensibly healthy population. A literature search was performed for the gene, cDNA change, and amino acid change (where applicable). Publications were found based on this search. The evidence from the literature, in combination with allele frequency data from public databases where available, was sufficient to determine this variant is unlikely to cause disease. Therefore, this variant is classified as likely benign.

Illumina Laboratory Services, Illumina
Classification: Likely benign for Parathyroid carcinoma. Last evaluated: 2017-04-28. Review status: criteria provided, single submitter. Criteria: ICSL Variant Classification Criteria 13 December 2019. Collection method: clinical testing. Allele origin: germline.
Comment: This variant was observed as part of a predisposition screen in an ostensibly healthy population. A literature search was performed for the gene, cDNA change, and amino acid change (where applicable). No publications were found based on this search. Allele frequency data from public databases allowed determination this variant is unlikely to cause disease. Therefore, this variant is classified as likely benign.

Illumina Laboratory Services, Illumina
Classification: Likely benign for Hyperparathyroidism 1. Last evaluated: 2017-04-28. Review status: criteria provided, single submitter. Criteria: ICSL Variant Classification Criteria 13 December 2019. Collection method: clinical testing. Allele origin: germline.
Comment: the same text as in the submission from Illumina Laboratory Services, Illumina above.

Clinical Genetics DNA and cytogenetics Diagnostics Lab, Erasmus MC, Erasmus Medical Center
Classification: Likely benign. Review status: no assertion criteria provided. Collection method: clinical testing. Allele origin: germline. Affected: yes. Study: VKGL Data-share Consensus. Not counted in ClinVar's aggregate classification.

Genome Diagnostics Laboratory, Amsterdam University Medical Center
Classification: Benign. Review status: no assertion criteria provided. Collection method: clinical testing. Allele origin: germline. Affected: yes. Study: VKGL Data-share Consensus. Not counted in ClinVar's aggregate classification.

Literature cited by the submitters: PubMed 17065424 (cited by Illumina Laboratory Services, Illumina); PubMed 12960210 (cited by Illumina Laboratory Services, Illumina).

NM_024529.5(CDC73):c.33C>T (p.Tyr11=)

Gene: CDC73 (cell division cycle 73; plus strand). Cytogenetic location: 1q31.2.
Variant type: single nucleotide variant.
Coding change: c.33C>T on transcript NM_024529.5 (MANE Select); coding-DNA position 33, C replaced by T.
Protein change: p.Tyr11=; no amino-acid change (tyrosine 11 retained).
Molecular consequence: synonymous variant.
Genome position (GRCh38, 1-based): chr1:193,122,233, C>T. VCF-style: chr1-193122233-C-T. GRCh37 (hg19) VCF-style: chr1-193091363-C-T.
Identifiers: ClinVar variation 241495 (VCV000241495.68), dbSNP rs150951102, ClinGen allele CA1303246.